The following is an entry in ClinVar:

NM_016169.4(SUFU):c.712A>C (p.Met238Leu)

Gene: SUFU (SUFU negative regulator of hedgehog signaling; plus strand). Cytogenetic location: 10q24.32.
Variant type: single nucleotide variant.
Coding change: c.712A>C on transcript NM_016169.4 (MANE Select); coding-DNA position 712, A replaced by C.
Protein change: p.Met238Leu; replaces methionine 238 with leucine.
Molecular consequence: missense variant.
Genome position (GRCh38, 1-based): chr10:102,594,021, A>C. VCF-style: chr10-102594021-A-C. GRCh37 (hg19) VCF-style: chr10-104353778-A-C.
Other names: c.712A>C, p.Met238Leu (NM_001178133.2); short protein forms M238L.
Identifiers: ClinVar variation 4551724 (VCV004551724.1).
Genomic context (GRCh38, chr10:102,594,021, plus strand): 5'-GTTACCATTGTATCCCCTTTCCTTGTCCACAGTGCTGGCGGCCCCTGGCTGATAACTGAC[A>C]TGCGGAGGGGAGAGACCATATTTGAGATCGATCCACACCTGCAAGTATGTCTTGAGTGAG-3'
Protein context (NP_057253.2, residues 228-248): IAGGPWLITD[Met238Leu]RRGETIFEID

ClinVar aggregate classification (germline): Uncertain significance (1 of 4 stars; one submission).

Conditions:
Hereditary cancer-predisposing syndrome. Also called: Tumor predisposition; Hereditary Cancer Syndrome; Hereditary neoplastic syndrome; Neoplastic Syndromes, Hereditary. Identifiers: Orphanet 140162, MedGen C0027672, MeSH D009386, MONDO:0015356.

Submission:

Ambry Genetics
Classification: Uncertain significance for Hereditary cancer-predisposing syndrome. Last evaluated: 2025-10-27. Review status: criteria provided, single submitter. Criteria: Ambry Variant Classification Scheme 2023. Collection method: clinical testing. Allele origin: germline.
Comment: The p.M238L variant (also known as c.712A>C), located in coding exon 6 of the SUFU gene, results from an A to C substitution at nucleotide position 712. The methionine at codon 238 is replaced by leucine, an amino acid with highly similar properties. This amino acid position is conserved. In addition, this alteration is predicted to be deleterious by in silico analysis. Based on the available evidence, the clinical significance of this variant remains unclear.